The following is an entry in ClinVar:

NM_000092.5(COL4A4):c.3743del (p.Gly1248fs)

Gene: COL4A4 (collagen type IV alpha 4 chain; minus strand). Cytogenetic location: 2q36.3.
Variant type: Deletion.
Coding change: c.3743del on transcript NM_000092.5 (MANE Select); coding-DNA position 3743, one base deleted (G; older notation c.3743delG).
Protein change: p.Gly1248fs; shifts the reading frame from glycine 1248.
Molecular consequence: frameshift variant.
Genome position (GRCh38, 1-based): chr2:227,032,019, C deleted on the plus strand (G on the coding strand, the reverse complement: COL4A4 is on the minus strand); the first of 2 consecutive C bases (chr2:227,032,019-227,032,020); deleting either gives the same sequence. VCF-style (leftmost placement, unchanged base first): chr2-227032018-TC-T. GRCh37 (hg19) VCF-style: chr2-227896734-TC-T.
Other names: c.3743delG (NM_000092.4); short protein forms G1248fs.
Identifiers: ClinVar variation 3377042 (VCV003377042.1).

ClinVar aggregate classification (germline): Pathogenic (1 of 4 stars; one submission).

Conditions:
Alport syndrome. Also called: Hemorrhagic familial nephritis; Hemorrhagic hereditary nephritis; Congenital hereditary hematuria. Identifiers: Orphanet 63, MedGen C1567741, MONDO:0018965.

Submission:

Victorian Clinical Genetics Services, Murdoch Childrens Research Institute
Classification: Pathogenic for Alport syndrome. Last evaluated: 2024-10-09. Review status: criteria provided, single submitter. Criteria: ACMG Guidelines, 2015. Collection method: clinical testing. Allele origin: germline. Affected: yes.
Comment: Based on the classification scheme VCGS_Germline_v1.3.4, this variant is classified as Pathogenic. Following criteria are met: 0103 - Loss of function is a known mechanism of disease for this gene and is associated with Alport syndrome. Dominant negative is a suspected mechanism of disease for this gene as it is a structural protein (PMID: 12028435, 24046192). (I) 0108 - This gene is associated with both recessive and dominant disease. Alport syndrome typically has biallelic inheritance, although rare cases of monoallelic inheritance have been reported (PMID: 28704582). Thin basement membrane nephropathy (TBMN) and focal segmental glomerulosclerosis (FSGS) are associated with autosomal dominant inheritance (OMIM, PMID: 16467446, 17942953). (I) 0201 - Variant is predicted to cause nonsense-mediated decay (NMD) and loss of protein (premature termination codon is located at least 54 nucleotides upstream of the final exon-exon junction). (SP) 0251 - This variant is heterozygous. (I) 0301 - Variant is absent from gnomAD (both v2 and v3). (SP) 0701 - Many other NMD-predicted variants comparable to the one identified in this case have very strong previous evidence for pathogenicity (DECIPHER). (SP) 0807 - This variant has no previous evidence of pathogenicity. (I) 0905 - No published segregation evidence has been identified for this variant. (I) 1007 - No published functional evidence has been identified for this variant. (I) 1208 - Inheritance information for this variant is not currently available in this individual. (I) Legend: (SP) - Supporting pathogenic, (I) - Information, (SB) - Supporting benign

Literature cited by the submitters: PubMed 12028435; PubMed 16467446; PubMed 17942953; PubMed 24046192; PubMed 28704582.